The following is an entry in ClinVar:

NM_177438.3(DICER1):c.4091G>C (p.Gly1364Ala)

Gene: DICER1 (dicer 1, ribonuclease III; minus strand). Cytogenetic location: 14q32.13.
Variant type: single nucleotide variant.
Coding change: c.4091G>C on transcript NM_177438.3 (MANE Select); coding-DNA position 4091, G replaced by C.
Protein change: p.Gly1364Ala; replaces glycine 1364 with alanine.
Molecular consequence: missense variant.
Genome position (GRCh38, 1-based): chr14:95,099,895, C>G on the plus strand (G>C on the coding strand, the complement: DICER1 is on the minus strand). VCF-style: chr14-95099895-C-G. GRCh37 (hg19) VCF-style: chr14-95566232-C-G.
Other names: c.4091G>C, p.Gly1364Ala (NM_001195573.1, NM_001271282.3, NM_001291628.2 and 1 more transcripts); short protein forms G1364A.
Identifiers: ClinVar variation 477180 (VCV000477180.18), dbSNP rs1467554488, ClinGen allele CA390872172.

ClinVar aggregate classification (germline): Uncertain significance. Review status: criteria provided, multiple submitters, no conflicts (2 of 4 stars). 5 submissions from 5 submitters: Uncertain significance (5). Last evaluated 2025-12-24.

Conditions:
Global developmental delay - lung cysts - overgrowth - Wilms tumor syndrome. Also called: GLOW Syndrome; GLOBAL DEVELOPMENTAL DELAY, LUNG CYSTS, OVERGROWTH, AND WILMS TUMOR. Identifiers: Orphanet 404476, MedGen C4748924, MONDO:0018445, OMIM 618272.
DICER1-related tumor predisposition. Also called: DICER1-related pleuropulmonary blastoma cancer predisposition syndrome; DICER1 syndrome. Identifiers: Orphanet 284343, MedGen C3839822, MONDO:0100216.
Hereditary cancer-predisposing syndrome. Also called: Tumor predisposition; Neoplastic Syndromes, Hereditary; Hereditary Cancer Syndrome; Hereditary neoplastic syndrome. Identifiers: Orphanet 140162, MedGen C0027672, MeSH D009386, MONDO:0015356.

Allele frequency attached by ClinVar (database versions not stated): gnomAD 0.00001; gnomAD exomes 0.00001.
gnomAD v4.1: 6 of 1,613,850 alleles (0.00037%); highest among the groups gnomAD compares: Non-Finnish European, 0.00051%; no homozygotes.

Submissions (5):

Labcorp Genetics (formerly Invitae), Labcorp
Classification: Uncertain significance for DICER1-related tumor predisposition. Last evaluated: 2025-12-24. Review status: criteria provided, single submitter. Criteria: Invitae Variant Classification Sherloc (09022015). Collection method: clinical testing. Allele origin: germline.
Comment: This sequence change replaces glycine, which is neutral and non-polar, with alanine, which is neutral and non-polar, at codon 1364 of the DICER1 protein (p.Gly1364Ala). This variant is present in population databases (no rsID available, gnomAD 0.0009%). This missense change has been observed in individual(s) with clinical features of DICER1-related conditions (PMID: 33630087). ClinVar contains an entry for this variant (Variation ID: 477180). Invitae Evidence Modeling of protein sequence and biophysical properties (such as structural, functional, and spatial information, amino acid conservation, physicochemical variation, residue mobility, and thermodynamic stability) indicates that this missense variant is not expected to disrupt DICER1 protein function with a negative predictive value of 95%. In summary, the available evidence is currently insufficient to determine the role of this variant in disease. Therefore, it has been classified as a Variant of Uncertain Significance.

Center for Genomic Medicine, Rigshospitalet, Copenhagen University Hospital
Classification: Uncertain significance. Last evaluated: 2025-03-04. Review status: criteria provided, single submitter. Criteria: ACMG Guidelines, 2015. Collection method: clinical testing. Allele origin: germline.

Ambry Genetics
Classification: Uncertain significance for Hereditary cancer-predisposing syndrome. Last evaluated: 2024-12-16. Review status: criteria provided, single submitter. Criteria: Ambry Variant Classification Scheme 2023. Collection method: clinical testing. Allele origin: germline.
Comment: The p.G1364A variant (also known as c.4091G>C), located in coding exon 21 of the DICER1 gene, results from a G to C substitution at nucleotide position 4091. The glycine at codon 1364 is replaced by alanine, an amino acid with similar properties. This amino acid position is highly conserved in available vertebrate species. In addition, the in silico prediction for this alteration is inconclusive. Since supporting evidence is limited at this time, the clinical significance of this alteration remains unclear.

Baylor Genetics
Classification: Uncertain significance for Global developmental delay - lung cysts - overgrowth - Wilms tumor syndrome. Last evaluated: 2024-02-22. Review status: criteria provided, single submitter. Criteria: ACMG Guidelines, 2015. Collection method: clinical testing. Allele origin: unknown.

Sema4
Classification: Uncertain significance for Hereditary cancer-predisposing syndrome. Last evaluated: 2022-02-24. Review status: criteria provided, single submitter. Criteria: Sema4 Curation Guidelines. Collection method: curation. Allele origin: germline.
Comment: The DICER1 c.4091G>C (p.G1364A) variant has been reported in heterozygosity in at least two individuals with thyroid cancer and seminoma (PMID: 33630087). This variant was observed in 2/113676 chromosomes in the Non-Finnish European population, according to the Genome Aggregation Database (PMID: 32461654). The variant has been reported in ClinVar (Variation ID: 477180). Functional studies have not been performed, and in silico predictions of the variant's effect on protein function are inconclusive. The evidence is insufficient to meet ACMG/AMP criteria for classifying the variant as benign or pathogenic. Thus, the clinical significance of this variant is currently uncertain.

Literature cited by the submitters: PubMed 33630087 (cited by 3 submitters).